The following is an entry in ClinVar:

ClinVar aggregate classification (germline): Benign. Review status: criteria provided, multiple submitters, no conflicts (2 of 4 stars). 3 submissions from 3 submitters: Benign (2). 1 of the submissions does not count toward it. Last evaluated 2018-07-08.

Allele frequency attached by ClinVar (database versions not stated): 1000 Genomes Project 0.03295; 1000 Genomes Project 30x 0.03342; TOPMed 0.06044; gnomAD 0.06588 and 0.06799.
gnomAD v4.1: 134,219 of 1,570,398 alleles (8.5%); highest among the groups gnomAD compares: Non-Finnish European, 10%; 6,513 homozygotes.

Submissions (3):

GeneDx
Classification: Benign. Last evaluated: 2018-07-08. Review status: criteria provided, single submitter. Criteria: GeneDx Variant Classification Process June 2021. Collection method: clinical testing. Allele origin: germline. Affected: yes.

Breakthrough Genomics
Classification: Benign. Review status: criteria provided, single submitter. Criteria: ACMG Guidelines, 2015. Collection method: not provided. Allele origin: germline. Inheritance: Autosomal recessive inheritance. Affected: yes.

Genetic Services Laboratory, University of Chicago
Classification: Likely benign. Review status: no assertion criteria provided. Collection method: clinical testing. Allele origin: germline. Inheritance: Autosomal recessive inheritance. Not counted in ClinVar's aggregate classification.
Comment: Likely benign based on allele frequency in 1000 Genomes Project or ESP global frequency and its presence in a patient with a rare or unrelated disease phenotype. NOT Sanger confirmed

NM_024596.5(MCPH1):c.1936-43T>G

Gene: MCPH1 (microcephalin 1; plus strand). Cytogenetic location: 8p23.1.
Variant type: single nucleotide variant.
Coding change: c.1936-43T>G on transcript NM_024596.5 (MANE Select); 43 bases into the intron before coding-DNA position 1936, T replaced by G.
Molecular consequence: intron variant.
Genome position (GRCh38, 1-based): chr8:6,477,551, T>G. VCF-style: chr8-6477551-T-G. GRCh37 (hg19) VCF-style: chr8-6335072-T-G.
Other names: c.1936-43T>G (NM_001322042.2, NM_001363979.1); c.1935+22299T>G (NM_001363980.2).
Identifiers: ClinVar variation 158832 (VCV000158832.8), dbSNP rs41311412, ClinGen allele CA172499.